The following is an entry in ClinVar:

NM_000458.4(HNF1B):c.*403A>G

Gene: HNF1B (HNF1 homeobox B; minus strand). Cytogenetic location: 17q12.
Variant type: single nucleotide variant.
Coding change: c.*403A>G on transcript NM_000458.4 (MANE Select); 403 bases downstream of the stop codon, A replaced by G.
Molecular consequence: 3 prime UTR variant.
Genome position (GRCh38, 1-based): chr17:37,686,969, T>C on the plus strand (A>G on the coding strand, the complement: HNF1B is on the minus strand). VCF-style: chr17-37686969-T-C. GRCh37 (hg19) VCF-style: chr17-36046972-T-C.
Other names: c.*403A>G (NM_001165923.4); c.*311A>G (NM_001304286.2).
Identifiers: ClinVar variation 322937 (VCV000322937.6), dbSNP rs557216745, ClinGen allele CA10650002.
Genomic context (GRCh38, chr17:37,686,969, plus strand): 5'-AAAGAAATCTCAAGATCATTTGGGATGGGGGCAGGGGAGGGAGTCTGTGGATATTTACAG[T>C]GTGTTTGGCTCAGTTCAATAGCACATGTCCTTCTCTCCTCATTTCAGTAACAGATTCAAG-3'

ClinVar aggregate classification (germline): Benign. Review status: criteria provided, multiple submitters, no conflicts (2 of 4 stars). 2 submissions from 2 submitters: Benign (2). Last evaluated 2018-01-13.

Conditions:
Maturity-onset diabetes of the young (MODY). Also called: Maturity onset diabetes mellitus in young. Identifiers: Orphanet 552, MedGen C0342276, MONDO:0018911, HP:0004904.
Renal cysts and diabetes syndrome (RCAD). Also called: Familial hypoplastic, glomerulocystic kidney; MATURITY-ONSET DIABETES OF THE YOUNG, TYPE 5. Identifiers: Orphanet 93111, MedGen C0431693, MONDO:0007669, OMIM 137920.

Allele frequency attached by ClinVar (database versions not stated): gnomAD 0.00016 and 0.00018; TOPMed 0.00019; gnomAD exomes 0.00023; 1000 Genomes Project 30x 0.00047; 1000 Genomes Project 0.00060.

Submissions (2):

Illumina Laboratory Services, Illumina
Classification: Benign for Renal cysts and diabetes syndrome. Last evaluated: 2018-01-13. Review status: criteria provided, single submitter. Criteria: ICSL Variant Classification Criteria 13 December 2019. Collection method: clinical testing. Allele origin: germline.
Comment: This variant was observed in the ICSL laboratory as part of a predisposition screen in an ostensibly healthy population. It had not been previously curated by ICSL or reported in the Human Gene Mutation Database (HGMD: prior to June 1st, 2018), and was therefore a candidate for classification through an automated scoring system. Utilizing variant allele frequency, disease prevalence and penetrance estimates, and inheritance mode, an automated score was calculated to assess if this variant is too frequent to cause the disease. Based on the score and internal cut-off values, a variant classified as benign is not then subjected to further curation. The score for this variant resulted in a classification of benign for this disease.

Clinical Genomics, Uppaluri K&H Personalized Medicine Clinic
Classification: Benign for Maturity-onset diabetes of the young. Review status: criteria provided, single submitter. Criteria: K & H Uppaluri Personalized Medicine Clinic Variant Classification & Assertion Criteria_Updated V.1. Collection method: research. Allele origin: unknown. Inheritance: Autosomal dominant inheritance.
Comment: HNF1B gene mutations are associated with early onset diabetes and pancreatic atrophy. It is also associated with multiple renal manifestations including renal cysts, Tubulointerstitial disease, glomerulocystic disease, renal hypoplasia, hypomagnesemia. However no sufficient evidence is found to ascertain the role of this particular variant rs557216745, yet.

Literature cited by the submitters: PubMed 24897035 (cited by Clinical Genomics, Uppaluri K&H Personalized Medicine Clinic); PubMed 25536396 (cited by Clinical Genomics, Uppaluri K&H Personalized Medicine Clinic); PubMed 27615128 (cited by Clinical Genomics, Uppaluri K&H Personalized Medicine Clinic); PubMed 28215227 (cited by Clinical Genomics, Uppaluri K&H Personalized Medicine Clinic); PubMed 33434175 (cited by Clinical Genomics, Uppaluri K&H Personalized Medicine Clinic); PubMed 25741167 (cited by Clinical Genomics, Uppaluri K&H Personalized Medicine Clinic); PubMed 26340261 (cited by Clinical Genomics, Uppaluri K&H Personalized Medicine Clinic); PubMed 19639018 (cited by Clinical Genomics, Uppaluri K&H Personalized Medicine Clinic).